The following is an entry in ClinVar:

NM_032119.4(ADGRV1):c.-67A>T

Gene: ADGRV1 (adhesion G protein-coupled receptor V1; plus strand). Cytogenetic location: 5q14.3.
Variant type: single nucleotide variant.
Coding change: c.-67A>T on transcript NM_032119.4 (MANE Select); 67 bases upstream of the start codon, A replaced by T.
Molecular consequence: 5 prime UTR variant. On other transcripts: non-coding transcript variant (1).
Genome position (GRCh38, 1-based): chr5:90,558,829, A>T. VCF-style: chr5-90558829-A-T. GRCh37 (hg19) VCF-style: chr5-89854646-A-T.
Identifiers: ClinVar variation 908026 (VCV000908026.7), dbSNP rs150816712, ClinGen allele CA3338327.
Genomic context (GRCh38, chr5:90,558,829, plus strand): 5'-GATGGAGCCCTCCTCCTGATCCTGTAGTGGTAGTAAGAATCAGCAGCGCGGGCAAGGAGT[A>T]CGGACGGGAGTCAGAGGCAGAGCGAGGGTGTGTGGAGGGCCGGCGGGGACCGCCGGGAGC-3'

ClinVar aggregate classification (germline): Likely benign. Review status: criteria provided, multiple submitters, no conflicts (2 of 4 stars). 3 submissions from 3 submitters: Likely benign (3). Last evaluated 2018-08-23.

Conditions:
Usher syndrome type 2C. Also called: Usher syndrome, type 2B; USHER SYNDROME, TYPE IIC. Identifiers: Orphanet 231178, Orphanet 886, MedGen C2931213, MONDO:0011558, OMIM 605472.

Allele frequency attached by ClinVar (database versions not stated): TOPMed 0.00197; 1000 Genomes Project 30x 0.00453; gnomAD exomes 0.00511; 1000 Genomes Project 0.00539.
gnomAD v4.1: 4,273 of 1,506,734 alleles (0.28%); highest among the groups gnomAD compares: Middle Eastern, 3.7%; 53 homozygotes.

Submissions (3):

GeneDx
Classification: Likely benign. Last evaluated: 2018-08-23. Review status: criteria provided, single submitter. Criteria: GeneDx Variant Classification Process June 2021. Collection method: clinical testing. Allele origin: germline. Affected: yes.

Illumina Laboratory Services, Illumina
Classification: Likely benign for Usher syndrome type 2C. Last evaluated: 2018-01-12. Review status: criteria provided, single submitter. Criteria: ICSL Variant Classification Criteria 13 December 2019. Collection method: clinical testing. Allele origin: germline.
Comment: This variant was observed in the ICSL laboratory as part of a predisposition screen in an ostensibly healthy population. It had not been previously curated by ICSL or reported in the Human Gene Mutation Database (HGMD: prior to June 1st, 2018), and was therefore a candidate for classification through an automated scoring system. Utilizing variant allele frequency, disease prevalence and penetrance estimates, and inheritance mode, an automated score was calculated to assess if this variant is too frequent to cause the disease. Based on the score and internal cut-off values, a variant classified as likely benign is not then subjected to further curation. The score for this variant resulted in a classification of likely benign for this disease.

Breakthrough Genomics
Classification: Likely benign. Review status: criteria provided, single submitter. Criteria: ACMG Guidelines, 2015. Collection method: not provided. Allele origin: germline. Inheritance: Autosomal recessive inheritance. Affected: yes.